The following is an entry in ClinVar:

NM_000260.4(MYO7A):c.3109-2A>G

Gene: MYO7A (myosin VIIA; plus strand). Cytogenetic location: 11q13.5.
Variant type: single nucleotide variant.
Coding change: c.3109-2A>G on transcript NM_000260.4 (MANE Select); the canonical splice acceptor site of the intron before coding-DNA position 3109, A replaced by G.
Molecular consequence: splice acceptor variant.
Genome position (GRCh38, 1-based): chr11:77,182,422, A>G. VCF-style: chr11-77182422-A-G. GRCh37 (hg19) VCF-style: chr11-76893467-A-G.
Other names: c.3109-2A>G (NM_000260.3, NM_001127180.2); c.3076-2A>G (NM_001369365.1).
Identifiers: ClinVar variation 2137204 (VCV002137204.10), dbSNP rs781977497, ClinGen allele CA6197991.

ClinVar aggregate classification (germline): Pathogenic/Likely pathogenic. Review status: criteria provided, multiple submitters, no conflicts (2 of 4 stars). 6 submissions from 6 submitters: Pathogenic (2); Likely pathogenic (4). Last evaluated 2025-11-18.

Conditions:
Usher syndrome type 1 (USH1). Also called: RETINITIS PIGMENTOSA AND CONGENITAL DEAFNESS. Identifiers: Orphanet 231169, Orphanet 886, MedGen C1568247, MONDO:0010168, OMIM 276900.
Autosomal dominant nonsyndromic hearing loss 11. Identifiers: Orphanet 90635, MedGen C1832475, MONDO:0011032, OMIM 601317.
Autosomal recessive nonsyndromic hearing loss 2. Also called: DEAFNESS, AUTOSOMAL RECESSIVE 2; NEUROSENSORY NONSYNDROMIC RECESSIVE DEAFNESS 2. Identifiers: Orphanet 90636, MedGen C1838701, MONDO:0010807, OMIM 600060.
Retinal dystrophy. Also called: Inherited retinal dystrophy. Identifiers: Orphanet 71862, MedGen C0854723, MeSH D058499, MONDO:0019118, HP:0000556.
Usher syndrome type 1B (USH1B). Also called: Usher syndrome type IB. Identifiers: MedGen C1848638, MONDO:0700087.

Allele frequency attached by ClinVar (database versions not stated): gnomAD exomes below 0.00001; TOPMed below 0.00001; ExAC 0.00001.
gnomAD v4.1: 6 of 1,602,362 alleles (0.00037%); highest among the groups gnomAD compares: South Asian, 0.0011%; no homozygotes.

Submissions (6):

Victorian Clinical Genetics Services, Murdoch Childrens Research Institute
Classification: Pathogenic for Usher syndrome type 1. Last evaluated: 2025-11-18. Review status: criteria provided, single submitter. Criteria: ACMG Guidelines, 2015. Collection method: clinical testing. Allele origin: germline. Affected: yes.
Comment: This variant is classified as Pathogenic. Evidence in support of pathogenic classification: Canonical splice site variant without proven consequence on splicing (no functional evidence available); Variant is present in gnomAD <0.01 (v4: 6 heterozygote(s), 0 homozygote(s)); This variant has moderate previous evidence of pathogenicity in unrelated individuals. This variant has been reported several times as likely pathogenic or pathogenic by clinical laboratories in ClinVar. It has been reported in the literature twice in a family with Usher syndrome, where a second variant in MYO7A was identified (PMID: 38987893, PMID: 31152317). It has also been observed in a heterozygous individual with Usher syndrome, where the diagnosis was considered unsolved (PMID: 39462066); Abnormal splicing is predicted by in silico tool and affected nucleotide is highly conserved. Additional information: This variant is heterozygous; This gene is associated with both recessive and dominant disease. While the genotype-phenotype correlation is not established, missense variants causing autosomal dominant inheritance are rare and are not localised to a specific protein region (OMIM); No published functional evidence has been identified for this variant; No comparable splice variants have previous evidence for pathogenicity; Loss of function is a known mechanism of disease in this gene and is associated with deafness, autosomal recessive 2 (MIM#600060) and Usher syndrome, type 1B (MIM#276900). In addition, dominant negative is the suggested mechanism for missense variants in deafness, autosomal dominant 11 (MIM#601317) (OMIM, PMID: 23383098).

Natera, Inc.
Classification: Likely pathogenic for Usher syndrome type 1B. Last evaluated: 2025-05-19. Review status: criteria provided, single submitter. Criteria: Natera Variant Classification Schema (03/2026). Collection method: clinical testing. Allele origin: germline.
Comment: The c.3109-2A>G variant in MYO7A is a canonical splice acceptor site variant predicted to affect pre-mRNA splicing, which may result in an abnormal transcript and altered protein product. This variant may result in a truncated or dysfunctional protein product. This variant is rare in the general population with a frequency below the threshold expected for the associated phenotype(s). This variant has been observed in one or more individuals affected with the associated recessive disease, as either homozygous or compound heterozygous with a second variant (PMID: 31152317). Given the available evidence, this variant is classified as Likely Pathogenic.

Fulgent Genetics
Classification: Likely pathogenic for Usher syndrome type 1; Autosomal recessive nonsyndromic hearing loss 2; Autosomal dominant nonsyndromic hearing loss 11. Last evaluated: 2024-02-09. Review status: criteria provided, single submitter. Criteria: ACMG Guidelines, 2015. Collection method: clinical testing. Allele origin: germline.

Institute of Medical Genetics and Applied Genomics, University Hospital Tübingen
Classification: Likely pathogenic for Usher syndrome type 1. Last evaluated: 2023-03-24. Review status: criteria provided, single submitter. Criteria: ACMG Guidelines, 2015. Collection method: clinical testing. Allele origin: germline. Inheritance: Autosomal recessive inheritance. Affected: yes.
Comment: second variant in MYO7A detected, allelic testing pending

Labcorp Genetics (formerly Invitae), Labcorp
Classification: Likely pathogenic. Last evaluated: 2022-08-09. Review status: criteria provided, single submitter. Criteria: Invitae Variant Classification Sherloc (09022015). Collection method: clinical testing. Allele origin: germline.
Comment: Algorithms developed to predict the effect of sequence changes on RNA splicing suggest that this variant may disrupt the consensus splice site. In summary, the currently available evidence indicates that the variant is pathogenic, but additional data are needed to prove that conclusively. Therefore, this variant has been classified as Likely Pathogenic. Disruption of this splice site has been observed in individual(s) with MYO7A-related conditions (PMID: 16963483). This sequence change affects an acceptor splice site in intron 24 of the MYO7A gene. It is expected to disrupt RNA splicing. Variants that disrupt the donor or acceptor splice site typically lead to a loss of protein function (PMID: 16199547), and loss-of-function variants in MYO7A are known to be pathogenic (PMID: 8900236, 25404053). This variant is present in population databases (rs781977497, gnomAD 0.003%).

Institute of Human Genetics, Univ. Regensburg, Univ. Regensburg
Classification: Pathogenic for Retinal dystrophy. Last evaluated: 2010-01-01. Review status: criteria provided, single submitter. Criteria: ACMG Guidelines, 2015. Collection method: clinical testing. Allele origin: germline. Affected: yes.

Literature cited by the submitters: PubMed 39462066 (cited by Victorian Clinical Genetics Services, Murdoch Childrens Research Institute); PubMed 31152317 (cited by Victorian Clinical Genetics Services, Murdoch Childrens Research Institute and Natera, Inc.); PubMed 23383098 (cited by Victorian Clinical Genetics Services, Murdoch Childrens Research Institute); PubMed 38987893 (cited by Victorian Clinical Genetics Services, Murdoch Childrens Research Institute); PubMed 16963483 (cited by Labcorp Genetics (formerly Invitae), Labcorp and Institute of Human Genetics, Univ. Regensburg, Univ. Regensburg); PubMed 16199547 (cited by Labcorp Genetics (formerly Invitae), Labcorp); PubMed 8900236 (cited by Labcorp Genetics (formerly Invitae), Labcorp); PubMed 25404053 (cited by Labcorp Genetics (formerly Invitae), Labcorp); PubMed 25525159 (cited by Institute of Human Genetics, Univ. Regensburg, Univ. Regensburg); PubMed 31964843 (cited by Institute of Human Genetics, Univ. Regensburg, Univ. Regensburg).